The following is an entry in ClinVar:

NM_016042.4(EXOSC3):c.180del (p.Ser61fs)

Gene: EXOSC3 (exosome component 3; minus strand). Cytogenetic location: 9p13.2.
Variant type: Deletion.
Coding change: c.180del on transcript NM_016042.4 (MANE Select); coding-DNA position 180, one base deleted (C; older notation c.180delC).
Protein change: p.Ser61fs; shifts the reading frame from serine 61.
Molecular consequence: frameshift variant.
Genome position (GRCh38, 1-based): chr9:37,784,865, G deleted on the plus strand (C on the coding strand, the reverse complement: EXOSC3 is on the minus strand). VCF-style (leftmost placement, unchanged base first): chr9-37784864-AG-A. GRCh37 (hg19) VCF-style: chr9-37784861-AG-A.
Other names: c.180del, p.Ser61fs (NM_001002269.2); short protein forms S61fs.
Identifiers: ClinVar variation 2829110 (VCV002829110.3), dbSNP rs2489891748, ClinGen allele CA2739269255.

ClinVar aggregate classification (germline): Pathogenic (1 of 4 stars; one submission).

Conditions:
Pontocerebellar hypoplasia type 1B. Also called: EXOSC3 Pontocerebellar Hypoplasia. Identifiers: Orphanet 2254, MedGen C3553449, MONDO:0013853, OMIM 614678.

Submission:

Labcorp Genetics (formerly Invitae), Labcorp
Classification: Pathogenic for Pontocerebellar hypoplasia type 1B. Last evaluated: 2023-01-16. Review status: criteria provided, single submitter. Criteria: Invitae Variant Classification Sherloc (09022015). Collection method: clinical testing. Allele origin: germline.
Comment: For these reasons, this variant has been classified as Pathogenic. This variant has not been reported in the literature in individuals affected with EXOSC3-related conditions. This variant is not present in population databases (gnomAD no frequency). This sequence change creates a premature translational stop signal (p.Ser61Argfs*52) in the EXOSC3 gene. It is expected to result in an absent or disrupted protein product. Loss-of-function variants in EXOSC3 are known to be pathogenic (PMID: 22544365, 23284067, 24524299).

Literature cited by the submitters: PubMed 22544365; PubMed 23284067; PubMed 24524299.